The following is an entry in ClinVar:

NM_001943.5(DSG2):c.1217A>C (p.Lys406Thr)

Gene: DSG2 (desmoglein 2; plus strand). Cytogenetic location: 18q12.1.
Variant type: single nucleotide variant.
Coding change: c.1217A>C on transcript NM_001943.5 (MANE Select); coding-DNA position 1217, A replaced by C.
Protein change: p.Lys406Thr; replaces lysine 406 with threonine.
Molecular consequence: missense variant.
Genome position (GRCh38, 1-based): chr18:31,531,189, A>C. VCF-style: chr18-31531189-A-C. GRCh37 (hg19) VCF-style: chr18-29111152-A-C.
Other names: short protein forms K406T.
Identifiers: ClinVar variation 3071819 (VCV003071819.1), dbSNP rs1431197497, ClinGen allele CA402139278.
Genomic context (GRCh38, chr18:31,531,189, plus strand): 5'-TTCATTTTAAAAGCAGCGTCATCTCAATTTATGTTAGCGAGAGCATGGATAGATCAAGCA[A>C]AGGCCAAATAATTGGAAATTTTCAAGCTTTTGATGAGGACACTGGACTACCAGCCCATGC-3'
Protein context (NP_001934.2, residues 396-416): YVSESMDRSS[Lys406Thr]GQIIGNFQAF

ClinVar aggregate classification (germline): Uncertain significance (1 of 4 stars; one submission).

Conditions:
Arrhythmogenic right ventricular cardiomyopathy (ARVD). Also called: Arrhythmogenic right ventricular dysplasia; Cardiomyopathy, ARVC; Arrhythmogenic cardiomyopathy; Arrhythmogenic Right Ventricular Cardiomyopathy (ARVC). Identifiers: Orphanet 247, MedGen C0349788, MeSH D019571, MONDO:0016587. Disease mechanism: loss of function. Inheritance: Various modes of inheritance.

Allele frequency attached by ClinVar (database versions not stated): gnomAD exomes below 0.00001.

Submission:

All of Us Research Program, National Institutes of Health
Classification: Uncertain significance for Arrhythmogenic right ventricular cardiomyopathy. Last evaluated: 2023-06-26. Review status: criteria provided, single submitter. Criteria: ACMG Guidelines, 2015. Collection method: clinical testing. Allele origin: germline. Inheritance: Autosomal dominant inheritance. Observed: 1 variant allele, 1 heterozygote.
Comment: This missense variant replaces lysine with threonine at codon 406 of the DSG2 protein. Computational prediction suggests that this variant may not impact protein structure and function (internally defined REVEL score threshold <= 0.5, PMID: 27666373). To our knowledge, functional studies have not been reported for this variant. This variant has not been reported in individuals affected with DSG2-related disorders in the literature. This variant has been identified in 1/249332 chromosomes in the general population by the Genome Aggregation Database (gnomAD). The available evidence is insufficient to determine the role of this variant in disease conclusively. Therefore, this variant is classified as a Variant of Uncertain Significance.

This study involves interpretation of variants in research participants for the purpose of population health screening. Participant phenotype was not available at the time of variant classification. Additional details can be found in publication PMID: 35346344, PMCID: PMC8962531